The following is an entry in ClinVar:

ClinVar aggregate classification (germline): Uncertain significance (1 of 4 stars; one submission).

Conditions:
Long QT syndrome (LQTS). Identifiers: MedGen C0023976, MeSH D008133, MONDO:0002442. Disease mechanism: loss of function. Inheritance: Various modes of inheritance.

Allele frequency attached by ClinVar (database versions not stated): gnomAD exomes below 0.00001.
gnomAD v4.1: 1 of 1,610,054 alleles (0.000062%); highest among the groups gnomAD compares: Non-Finnish European, 0.000085%; no homozygotes.

Submission:

Labcorp Genetics (formerly Invitae), Labcorp
Classification: Uncertain significance for Long QT syndrome. Last evaluated: 2023-07-22. Review status: criteria provided, single submitter. Criteria: Invitae Variant Classification Sherloc (09022015). Collection method: clinical testing. Allele origin: germline.
Comment: In summary, the available evidence is currently insufficient to determine the role of this variant in disease. Therefore, it has been classified as a Variant of Uncertain Significance. This sequence change falls in intron 36 of the CACNA1C gene. It does not directly change the encoded amino acid sequence of the CACNA1C protein. It affects a nucleotide within the consensus splice site. This variant is not present in population databases (gnomAD no frequency). This variant has not been reported in the literature in individuals affected with CACNA1C-related conditions. Variants that disrupt the consensus splice site are a relatively common cause of aberrant splicing (PMID: 17576681, 9536098). Algorithms developed to predict the effect of sequence changes on RNA splicing suggest that this variant is not likely to affect RNA splicing.

Literature cited by the submitters: PubMed 17576681; PubMed 9536098.

NM_000719.7(CACNA1C):c.4526+6T>C

Gene: CACNA1C (calcium voltage-gated channel subunit alpha1 C; plus strand). Cytogenetic location: 12p13.33.
Variant type: single nucleotide variant.
Coding change: c.4526+6T>C on transcript NM_000719.7 (MANE Select); 6 bases into the intron after coding-DNA position 4526, T replaced by C.
Molecular consequence: intron variant.
Genome position (GRCh38, 1-based): chr12:2,665,714, T>C. VCF-style: chr12-2665714-T-C. GRCh37 (hg19) VCF-style: chr12-2774880-T-C.
Other names: c.4526+6T>C (NM_001167624.3, NM_001167623.2, NM_001129840.2 and 7 more transcripts); c.4493+6T>C (NM_001167625.2, NM_001129837.2, NM_001129838.2 and 1 more transcripts); c.4670+6T>C (NM_199460.4, NM_001129827.2); c.4586+6T>C (NM_001129832.2); c.4610+6T>C (NM_001129831.2); c.4592+6T>C (NM_001129829.2); c.4487+6T>C (NM_001129839.2); c.4577+6T>C (NM_001129836.2); and 1 more.
Identifiers: ClinVar variation 2805129 (VCV002805129.2), dbSNP rs2529752750, ClinGen allele CA2617070700.